The following is an entry in ClinVar:

NM_023110.3(FGFR1):c.630T>A (p.Tyr210Ter)

Gene: FGFR1 (fibroblast growth factor receptor 1; minus strand). Cytogenetic location: 8p11.23.
Variant type: single nucleotide variant.
Coding change: c.630T>A on transcript NM_023110.3 (MANE Select); coding-DNA position 630, T replaced by A.
Protein change: p.Tyr210Ter; replaces tyrosine 210 with a stop codon.
Molecular consequence: nonsense.
Genome position (GRCh38, 1-based): chr8:38,426,237, A>T on the plus strand (T>A on the coding strand, the complement: FGFR1 is on the minus strand). VCF-style: chr8-38426237-A-T. GRCh37 (hg19) VCF-style: chr8-38283755-A-T.
Other names: c.630T>A, p.Tyr210Ter (NM_000604.2, NM_001174063.2); c.606T>A, p.Tyr202Ter (NM_001174064.2); c.624T>A, p.Tyr208Ter (NM_001174065.2, NM_001354367.2, NM_001354369.2 and 2 more transcripts); c.363T>A, p.Tyr121Ter (NM_001174066.2, NM_023105.3); c.723T>A, p.Tyr241Ter (NM_001174067.2); c.357T>A, p.Tyr119Ter (NM_001354368.2, NM_001354370.2, NM_023106.3); short protein forms Y119*, Y121*, Y202*, Y208*, Y210*, Y241*.
Identifiers: ClinVar variation 2505378 (VCV002505378.1), dbSNP rs1400969239, ClinGen allele CA370735462.

ClinVar aggregate classification (germline): Pathogenic (1 of 4 stars; one submission).

Conditions:
Hypogonadotropic hypogonadism 2 with or without anosmia (HH2). Also called: FGFR1-Related GnRH Deficiency (Kallmann Syndrome 2); HYPOGONADOTROPIC HYPOGONADISM 2 WITHOUT ANOSMIA; HYPOGONADOTROPIC HYPOGONADISM 2 WITH OR WITHOUT ANOSMIA, SUSCEPTIBILITY TO; HYPOGONADOTROPIC HYPOGONADISM 2 WITHOUT ANOSMIA, SUSCEPTIBILITY TO. Identifiers: Orphanet 478, MedGen C1563720, MONDO:0007844, OMIM 147950. Disease mechanism: loss of function.

Submission:

Reproductive Endocrine Unit, Massachusetts General Hospital
Classification: Pathogenic for Hypogonadotropic hypogonadism 2 with or without anosmia. Last evaluated: 2023-05-04. Review status: criteria provided, single submitter. Criteria: ACMG Guidelines, 2015. Collection method: research. Allele origin: de novo. Affected: yes. Observed: 1 variant allele.
Comment: The variant NM_023110.2:c.630T>A, p.(Tyr210*) het has been classified as P1a based on the variant meeting the following ACMG Criteria: PVS1,PS2,PM2,PP3.